The following is an entry in ClinVar:

ClinVar aggregate classification (germline): Uncertain significance (1 of 4 stars; one submission).

Conditions:
Inborn genetic diseases. Identifiers: MedGen C0950123, MeSH D030342.

Submission:

Ambry Genetics
Classification: Uncertain significance for Inborn genetic diseases. Last evaluated: 2024-12-20. Review status: criteria provided, single submitter. Criteria: Ambry Variant Classification Scheme 2023. Collection method: clinical testing. Allele origin: germline.
Comment: The p.V657I variant (also known as c.1969G>A), located in coding exon 22 of the RTEL1 gene, results from a G to A substitution at nucleotide position 1969. The valine at codon 657 is replaced by isoleucine, an amino acid with highly similar properties. This amino acid position is conserved. In addition, this alteration is predicted to be tolerated by in silico analysis. Based on the available evidence, the clinical significance of this variant remains unclear.

NM_001283009.2(RTEL1):c.1969G>A (p.Val657Ile)

Genes: RTEL1 (regulator of telomere elongation helicase 1; plus strand), RTEL1-TNFRSF6B (RTEL1-TNFRSF6B readthrough (NMD candidate); plus strand). Cytogenetic location: 20q13.33.
Variant type: single nucleotide variant.
Coding change: c.1969G>A on transcript NM_001283009.2 (MANE Select); coding-DNA position 1969, G replaced by A.
Protein change: p.Val657Ile; replaces valine 657 with isoleucine.
Molecular consequence: missense variant. On other transcripts: non-coding transcript variant (1).
Genome position (GRCh38, 1-based): chr20:63,689,592, G>A. VCF-style: chr20-63689592-G-A. GRCh37 (hg19) VCF-style: chr20-62320945-G-A.
Other names: c.1300G>A, p.Val434Ile (NM_001283010.1); c.1969G>A, p.Val657Ile (NM_016434.4); c.2041G>A, p.Val681Ile (NM_032957.5); short protein forms V434I, V681I, V657I.
Identifiers: ClinVar variation 3790985 (VCV003790985.1).